The following is an entry in ClinVar:

NM_002906.4(RDX):c.-64-1215_12+348del

Gene: RDX (radixin; minus strand). Cytogenetic location: 11q22.3.
Variant type: Deletion.
Coding change: c.-64-1215_12+348del on transcript NM_002906.4 (MANE Select); 1215 bases into the intron before 64 bases upstream of the start codon through 348 bases into the intron after coding-DNA position 12, 1,639 bases deleted.
Molecular consequence: splice acceptor variant, splice donor variant, initiator codon variant.
Genome position (GRCh38, 1-based): chr11:110,279,333-110,280,971, 1,639 bases deleted. GRCh37 (hg19): chr11:110,150,182-110,151,820.
Other names: c.-64-1215_12+348del (NM_001260493.2, NM_001260496.2, NM_001260492.2); c.-158-1215_-83+348del (NM_001260495.2); c.-101-1215_-26+348del (NM_001260494.2).
Identifiers: ClinVar variation 983524 (VCV000983524.3), ClinGen allele CA2499220747.

ClinVar aggregate classification (germline): Likely pathogenic (1 of 4 stars; one submission).

Conditions:
Autosomal recessive nonsyndromic hearing loss 24. Identifiers: Orphanet 90636, MedGen C1970239, MONDO:0012602, OMIM 611022.

Submission:

Laboratorio de I+D, Fundación Centro Médico de Asturias
Classification: Likely pathogenic for Autosomal recessive nonsyndromic hearing loss 24. Last evaluated: 2019-09-10. Review status: criteria provided, single submitter. Criteria: ClinGen HL ACMG Specifications v1. Collection method: clinical testing. Allele origin: germline. Inheritance: Autosomal recessive inheritance. Affected: yes. Observed: 1 variant allele.
Comment: PVS1_S, PM2, PM3_P

Deletion was initially detected by NGS read depth analysis and subsequently confirmed by a PCR flanking the breakpoint followed by Sanger sequencing